The following is an entry in ClinVar:

ClinVar aggregate classification (germline): Pathogenic/Likely pathogenic. Review status: criteria provided, multiple submitters, no conflicts (2 of 4 stars). 4 submissions from 3 submitters: Pathogenic (1); Likely pathogenic (1). 2 of the submissions do not count toward it. Last evaluated 2025-10-03.

Conditions:
Proximal symphalangism 1A. Also called: CUSHING SYMPHALANGISM; HEREDITARY ABSENCE OF THE PROXIMAL INTERPHALANGEAL JOINTS. Identifiers: Orphanet 3250, MedGen C3714899, MONDO:0020733, OMIM 185800.
Tarsal-carpal coalition syndrome. Identifiers: Orphanet 1412, MedGen C1861305, MONDO:0008521, OMIM 186570.

Submissions (4):

GeneDx
Classification: Likely pathogenic. Last evaluated: 2025-10-03. Review status: criteria provided, single submitter. Criteria: GeneDx Variant Classification Process June 2021. Collection method: clinical testing. Allele origin: germline.
Comment: Not observed in large population cohorts (gnomAD); In silico analysis supports that this missense variant has a deleterious effect on protein structure/function; This variant is associated with the following publications: (PMID: 12478285, 31694554, 17245852, 7557985, 21538686, 22288654, 26211601, 29159868, 26994744, 11545688, 32478388, 10080184)

Labcorp Genetics (formerly Invitae), Labcorp
Classification: Pathogenic. Last evaluated: 2024-10-05. Review status: criteria provided, single submitter. Criteria: Invitae Variant Classification Sherloc (09022015). Collection method: clinical testing. Allele origin: germline.
Comment: This sequence change replaces tyrosine, which is neutral and polar, with cysteine, which is neutral and slightly polar, at codon 222 of the NOG protein (p.Tyr222Cys). This variant is not present in population databases (gnomAD no frequency). This missense change has been observed in individuals with clinical features of NOG-related conditions (PMID: 10080184, 11545688). It has also been observed to segregate with disease in related individuals. ClinVar contains an entry for this variant (Variation ID: 6691). An algorithm developed to predict the effect of missense changes on protein structure and function (PolyPhen-2) suggests that this variant is likely to be disruptive. For these reasons, this variant has been classified as Pathogenic.

OMIM
Classification: Pathogenic for TARSAL-CARPAL COALITION SYNDROME. Last evaluated: 2001-09-01. Review status: no assertion criteria provided. Collection method: literature only. Allele origin: germline. Not counted in ClinVar's aggregate classification.

OMIM
Classification: Pathogenic for SYMPHALANGISM, PROXIMAL, 1A. Last evaluated: 1999-03-01. Review status: no assertion criteria provided. Collection method: literature only. Allele origin: germline. Not counted in ClinVar's aggregate classification.

Literature cited by the submitters: PubMed 10080184 (cited by Labcorp Genetics (formerly Invitae), Labcorp and OMIM); PubMed 11545688 (cited by Labcorp Genetics (formerly Invitae), Labcorp and OMIM); PubMed 16576087 (cited by OMIM); Strasburger, A. K., Hawkins, M. R., Eldridge, R., Hargrave, R. L., McKusick, V. A. Symphalangism: genetic and clinical aspects. Bull. Johns Hopkins Hosp. 117: 108-127, 1965. (cited by OMIM); PubMed 7557985 (cited by OMIM).

NM_005450.6(NOG):c.665A>G (p.Tyr222Cys)

Gene: NOG (noggin; plus strand). Cytogenetic location: 17q22.
Variant type: single nucleotide variant.
Coding change: c.665A>G on transcript NM_005450.6 (MANE Select); coding-DNA position 665, A replaced by G.
Protein change: p.Tyr222Cys; replaces tyrosine 222 with cysteine.
Molecular consequence: missense variant.
Genome position (GRCh38, 1-based): chr17:56,594,888, A>G. VCF-style: chr17-56594888-A-G. GRCh37 (hg19) VCF-style: chr17-54672249-A-G.
Other names: short protein forms Y222C.
Identifiers: ClinVar variation 6691 (VCV000006691.7), dbSNP rs104894602, ClinGen allele CA118425.
Genomic context (GRCh38, chr17:56,594,888, plus strand): 5'-TGCTGCGGTGGCGCTGTCAGCGGCGCGGGGGCCAGCGCTGCGGCTGGATTCCCATCCAGT[A>G]CCCCATCATTTCCGAGTGCAAGTGCTCGTGCTAGAACTCGGGGGCCCCCTGCCCGCACCC-3'
Protein context (NP_005441.1, residues 212-232): GQRCGWIPIQ[Tyr222Cys]PIISECKCSC